The following is an entry in ClinVar:

ClinVar aggregate classification (germline): Uncertain significance (1 of 4 stars; one submission).

Conditions:
Meckel-Gruber syndrome. Also called: DYSENCEPHALIA SPLANCHNOCYSTICA; GRUBER SYNDROME; Dysencephalia splachnocystica. Identifiers: Orphanet 564, MedGen C0265215, MONDO:0018921.
Joubert syndrome. Also called: CEREBELLOPARENCHYMAL DISORDER IV; JOUBERT-BOLTSHAUSER SYNDROME; Familial aplasia of the vermis. Identifiers: Orphanet 475, MedGen C5979921, MONDO:0018772.

gnomAD v4.1: 2 of 1,614,084 alleles (0.00012%); highest among the groups gnomAD compares: Admixed American, 0.0017%; no homozygotes.

Submission:

Labcorp Genetics (formerly Invitae), Labcorp
Classification: Uncertain significance for Joubert syndrome; Meckel-Gruber syndrome. Last evaluated: 2022-08-15. Review status: criteria provided, single submitter. Criteria: Invitae Variant Classification Sherloc (09022015). Collection method: clinical testing. Allele origin: germline.
Comment: Algorithms developed to predict the effect of sequence changes on RNA splicing suggest that this variant may create or strengthen a splice site. In summary, the available evidence is currently insufficient to determine the role of this variant in disease. Therefore, it has been classified as a Variant of Uncertain Significance. Algorithms developed to predict the effect of missense changes on protein structure and function (SIFT, PolyPhen-2, Align-GVGD) all suggest that this variant is likely to be tolerated. ClinVar contains an entry for this variant (Variation ID: 1482519). This variant has not been reported in the literature in individuals affected with TMEM67-related conditions. This variant is not present in population databases (gnomAD no frequency). This sequence change replaces leucine, which is neutral and non-polar, with valine, which is neutral and non-polar, at codon 121 of the TMEM67 protein (p.Leu121Val).

NM_153704.6(TMEM67):c.361T>G (p.Leu121Val)

Gene: TMEM67 (transmembrane protein 67; plus strand). Cytogenetic location: 8q22.1.
Variant type: single nucleotide variant.
Coding change: c.361T>G on transcript NM_153704.6 (MANE Select); coding-DNA position 361, T replaced by G.
Protein change: p.Leu121Val; replaces leucine 121 with valine.
Molecular consequence: missense variant. On other transcripts: 5 prime UTR variant (1), non-coding transcript variant (1).
Genome position (GRCh38, 1-based): chr8:93,758,531, T>G. VCF-style: chr8-93758531-T-G. GRCh37 (hg19) VCF-style: chr8-94770759-T-G.
Other names: c.-17T>G (NM_001142301.1); short protein forms L121V.
Identifiers: ClinVar variation 1482519 (VCV001482519.6), dbSNP rs934823566, ClinGen allele CA181307014.